The following is an entry in ClinVar:

NM_001364171.2(ODAD1):c.721G>T (p.Ala241Ser)

Gene: ODAD1 (outer dynein arm docking complex subunit 1; minus strand). Cytogenetic location: 19q13.33.
Variant type: single nucleotide variant.
Coding change: c.721G>T on transcript NM_001364171.2 (MANE Select); coding-DNA position 721, G replaced by T.
Protein change: p.Ala241Ser; replaces alanine 241 with serine.
Molecular consequence: missense variant.
Genome position (GRCh38, 1-based): chr19:48,304,085, C>A on the plus strand (G>T on the coding strand, the complement: ODAD1 is on the minus strand). VCF-style: chr19-48304085-C-A. GRCh37 (hg19) VCF-style: chr19-48807342-C-A.
Other names: c.610G>T, p.Ala204Ser (NM_144577.4); short protein forms A204S, A241S.
Identifiers: ClinVar variation 1682881 (VCV001682881.3), dbSNP rs1259985148, ClinGen allele CA406662224.

ClinVar aggregate classification (germline): Uncertain significance (1 of 4 stars; one submission).

Conditions:
Primary ciliary dyskinesia. Also called: Ciliary dyskinesia. Identifiers: Orphanet 244, MedGen C0008780, MONDO:0016575, HP:0012265.

Submission:

Labcorp Genetics (formerly Invitae), Labcorp
Classification: Uncertain significance for Primary ciliary dyskinesia. Last evaluated: 2021-10-20. Review status: criteria provided, single submitter. Criteria: Invitae Variant Classification Sherloc (09022015). Collection method: clinical testing. Allele origin: germline.
Comment: This sequence change replaces alanine with serine at codon 204 of the CCDC114 protein (p.Ala204Ser). The alanine residue is moderately conserved and there is a moderate physicochemical difference between alanine and serine. This variant is not present in population databases (ExAC no frequency). This variant has not been reported in the literature in individuals affected with CCDC114-related conditions. Algorithms developed to predict the effect of missense changes on protein structure and function output the following: SIFT: "Tolerated"; PolyPhen-2: "Benign"; Align-GVGD: "Class C0". The serine amino acid residue is found in multiple mammalian species, which suggests that this missense change does not adversely affect protein function. In summary, the available evidence is currently insufficient to determine the role of this variant in disease. Therefore, it has been classified as a Variant of Uncertain Significance.